The following is an entry in ClinVar:

ClinVar aggregate classification (germline): Uncertain significance (1 of 4 stars; one submission).

Conditions:
Benign neonatal seizures. Also called: Benign familial neonatal seizures; Benign familial neonatal epilepsy; Convulsions benign familial neonatal dominant form; Autosomal dominant form of benign neonatal seizures; Benign neonatal familial convulsions. Identifiers: Orphanet 1949, MedGen C0220669, MONDO:0016027.

Allele frequency attached by ClinVar (database versions not stated): TOPMed below 0.00001.

Submission:

Labcorp Genetics (formerly Invitae), Labcorp
Classification: Uncertain significance for Benign neonatal seizures. Last evaluated: 2023-11-24. Review status: criteria provided, single submitter. Criteria: Invitae Variant Classification Sherloc (09022015). Collection method: clinical testing. Allele origin: germline.
Comment: This sequence change replaces valine, which is neutral and non-polar, with isoleucine, which is neutral and non-polar, at codon 864 of the KCNQ3 protein (p.Val864Ile). This variant is not present in population databases (gnomAD no frequency). This variant has not been reported in the literature in individuals affected with KCNQ3-related conditions. ClinVar contains an entry for this variant (Variation ID: 1058710). Advanced modeling of protein sequence and biophysical properties (such as structural, functional, and spatial information, amino acid conservation, physicochemical variation, residue mobility, and thermodynamic stability) performed at Invitae indicates that this missense variant is not expected to disrupt KCNQ3 protein function with a negative predictive value of 95%. In summary, the available evidence is currently insufficient to determine the role of this variant in disease. Therefore, it has been classified as a Variant of Uncertain Significance.

NM_004519.4(KCNQ3):c.2590G>A (p.Val864Ile)

Gene: KCNQ3 (potassium voltage-gated channel subfamily Q member 3; minus strand). Cytogenetic location: 8q24.22.
Variant type: single nucleotide variant.
Coding change: c.2590G>A on transcript NM_004519.4 (MANE Select); coding-DNA position 2590, G replaced by A.
Protein change: p.Val864Ile; replaces valine 864 with isoleucine.
Molecular consequence: missense variant.
Genome position (GRCh38, 1-based): chr8:132,129,291, C>T on the plus strand (G>A on the coding strand, the complement: KCNQ3 is on the minus strand). VCF-style: chr8-132129291-C-T. GRCh37 (hg19) VCF-style: chr8-133141538-C-T.
Other names: c.2230G>A, p.Val744Ile (NM_001204824.2); short protein forms V744I, V864I.
Identifiers: ClinVar variation 1058710 (VCV001058710.9), dbSNP rs1824772974, ClinGen allele CA372215440.
Genomic context (GRCh38, chr8:132,129,291, plus strand): 5'-ATTACAAGGAGGGGTCAGCCAGTGACCTCTTTTAAATGGGCTTATTGGAAGGGGTCCATA[C>T]TGAATCAGAAATCCCATCCCCTGTGGACGACAGAGGCATGGAGCCGCTGGGCGTGAAGGG-3'
Protein context (NP_004510.1, residues 854-872): SSTGDGISDS[Val864Ile]WTPSNKPI